The following is an entry in ClinVar:

ClinVar aggregate classification (germline): Uncertain significance. Review status: criteria provided, multiple submitters, no conflicts (2 of 4 stars). 2 submissions from 2 submitters: Uncertain significance (2). Last evaluated 2025-03-22.

Conditions:
Inborn genetic diseases. Identifiers: MedGen C0950123, MeSH D030342.

Allele frequency attached by ClinVar (database versions not stated): TOPMed 0.00006; gnomAD 0.00011 and 0.00012; gnomAD exomes 0.00001.

Submissions (2):

Ambry Genetics
Classification: Uncertain significance for Inborn genetic diseases. Last evaluated: 2025-03-22. Review status: criteria provided, single submitter. Criteria: Ambry Variant Classification Scheme 2023. Collection method: clinical testing. Allele origin: germline.

Labcorp Genetics (formerly Invitae), Labcorp
Classification: Uncertain significance. Last evaluated: 2024-10-25. Review status: criteria provided, single submitter. Criteria: Invitae Variant Classification Sherloc (09022015). Collection method: clinical testing. Allele origin: germline.
Comment: This sequence change replaces valine, which is neutral and non-polar, with isoleucine, which is neutral and non-polar, at codon 1083 of the TUBGCP6 protein (p.Val1083Ile). This variant is present in population databases (no rsID available, gnomAD 0.01%). This variant has not been reported in the literature in individuals affected with TUBGCP6-related conditions. ClinVar contains an entry for this variant (Variation ID: 958106). An algorithm developed to predict the effect of missense changes on protein structure and function (PolyPhen-2) suggests that this variant is likely to be disruptive. In summary, the available evidence is currently insufficient to determine the role of this variant in disease. Therefore, it has been classified as a Variant of Uncertain Significance.

NM_020461.4(TUBGCP6):c.3247G>A (p.Val1083Ile)

Gene: TUBGCP6 (tubulin gamma complex component 6; minus strand). Cytogenetic location: 22q13.33.
Variant type: single nucleotide variant.
Coding change: c.3247G>A on transcript NM_020461.4 (MANE Select); coding-DNA position 3247, G replaced by A.
Protein change: p.Val1083Ile; replaces valine 1083 with isoleucine.
Molecular consequence: missense variant.
Genome position (GRCh38, 1-based): chr22:50,221,112, C>T on the plus strand (G>A on the coding strand, the complement: TUBGCP6 is on the minus strand). VCF-style: chr22-50221112-C-T. GRCh37 (hg19) VCF-style: chr22-50659541-C-T.
Other names: short protein forms V1083I.
Identifiers: ClinVar variation 958106 (VCV000958106.7), dbSNP rs1334294417, ClinGen allele CA412184118.